The following is an entry in ClinVar:

NM_024740.2(ALG9):c.1534G>T (p.Gly512Ter)

Gene: ALG9 (ALG9 alpha-1,2-mannosyltransferase; minus strand). Cytogenetic location: 11q23.1.
Variant type: single nucleotide variant.
Coding change: c.1534G>T on transcript NM_024740.2 (MANE Select); coding-DNA position 1534, G replaced by T.
Protein change: p.Gly512Ter; replaces glycine 512 with a stop codon.
Molecular consequence: nonsense. On other transcripts: non-coding transcript variant (1).
Genome position (GRCh38, 1-based): chr11:111,836,233, C>A on the plus strand (G>T on the coding strand, the complement: ALG9 is on the minus strand). VCF-style: chr11-111836233-C-A. GRCh37 (hg19) VCF-style: chr11-111706956-C-A.
Other names: c.1513G>T, p.Gly505Ter (NM_001077690.1, NM_001352417.1, NM_001441205.1); c.1021G>T, p.Gly341Ter (NM_001077691.2, NM_001352413.1, NM_001352414.2 and 1 more transcripts); c.1000G>T, p.Gly334Ter (NM_001077692.2, NM_001352409.1, NM_001352410.1 and 6 more transcripts); c.1390G>T, p.Gly464Ter (NM_001352418.1); c.925G>T, p.Gly309Ter (NM_001352422.2); c.877G>T, p.Gly293Ter (NM_001352423.2); c.1534G>T, p.Gly512Ter (NM_001441203.1, NM_001441204.1); c.1411G>T, p.Gly471Ter (NM_001441206.1); short protein forms G293*, G309*, G334*, G341*, G464*, G471*, G505*, G512*.
Identifiers: ClinVar variation 4531701 (VCV004531701.1).

ClinVar aggregate classification (germline): Pathogenic (1 of 4 stars; one submission).

Conditions:
ALG9-associated autosomal dominant polycystic kidney disease. Identifiers: MedGen CN305626, MONDO:0700000.

gnomAD v4.1: 4 of 1,614,034 alleles (0.00025%); highest among the groups gnomAD compares: Non-Finnish European, 0.00034%; no homozygotes.

Submission:

Victorian Clinical Genetics Services, Murdoch Childrens Research Institute
Classification: Pathogenic for ALG9-associated autosomal dominant polycystic kidney disease. Last evaluated: 2024-11-15. Review status: criteria provided, single submitter. Criteria: ACMG Guidelines, 2015. Collection method: clinical testing. Allele origin: germline. Affected: yes.
Comment: This variant is classified as Pathogenic. Evidence in support of pathogenic classification: Variant is predicted to cause nonsense-mediated decay (NMD) and loss of protein (premature termination codon is located at least 54 nucleotides upstream of the final exon-exon junction); Variant is present in gnomAD <0.01 (v4: 4 heterozygote(s), 0 homozygote(s)); Other NMD-predicted variants comparable to the one identified in this case have very strong previous evidence for pathogenicity (DECIPHER, ClinVar, PMID: 32398770, 31395617) Additional information: This variant is heterozygous; This gene is associated with both recessive and dominant disease. Biallelic missense variants are associated with congenital disorder of glycosylation, type Il (MIM#608776), whilst biallelic null variants are associated with Gillessen-Kaesbach-Nishimura syndrome (MIM#263210). Heterozygous variants are associated with a form of polycystic kidney disease with incomplete penetrance (PMID: 31395617); This variant has no previous evidence of pathogenicity; No published segregation evidence has been identified for this variant; No published functional evidence has been identified for this variant; Loss of function is a known mechanism of disease in this gene and is associated with congenital disorder of glycosylation, type Il (MIM#608776), Gillessen-Kaesbach-Nishimura syndrome (MIM#263210) and ALG9-associated autosomal dominant polycystic kidney disease (MONDO:0700000); Inheritance information for this variant is not currently available in this individual.

Literature cited by the submitters: PubMed 32398770; PubMed 31395617.